The following is an entry in ClinVar:

ClinVar aggregate classification (germline): Uncertain significance. Review status: criteria provided, multiple submitters, no conflicts (2 of 4 stars). 3 submissions from 3 submitters: Uncertain significance (3). Last evaluated 2025-10-27.

Conditions:
Spastic paraplegia. Identifiers: MedGen C0037772, HP:0001258.
AP4E1-related disorder. Also called: AP4E1-related condition.
Inborn genetic diseases. Identifiers: MedGen C0950123, MeSH D030342.

Allele frequency attached by ClinVar (database versions not stated): ESP Exome Variant Server 0.00008; gnomAD exomes 0.00008 and 0.00020; gnomAD 0.00009; ExAC 0.00015; 1000 Genomes Project 30x 0.00016; TOPMed 0.00019.
gnomAD v4.1: 125 of 1,613,856 alleles (0.0077%); highest among the groups gnomAD compares: Admixed American, 0.085%; no homozygotes.

Submissions (3):

Labcorp Genetics (formerly Invitae), Labcorp
Classification: Uncertain significance for Spastic paraplegia. Last evaluated: 2025-10-27. Review status: criteria provided, single submitter. Criteria: Invitae Variant Classification Sherloc (09022015). Collection method: clinical testing. Allele origin: germline.
Comment: This sequence change replaces glycine, which is neutral and non-polar, with serine, which is neutral and polar, at codon 431 of the AP4E1 protein (p.Gly431Ser). This variant is present in population databases (rs147638518, gnomAD 0.1%). This variant has not been reported in the literature in individuals affected with AP4E1-related conditions. ClinVar contains an entry for this variant (Variation ID: 1390915). An algorithm developed to predict the effect of missense changes on protein structure and function (PolyPhen-2) suggests that this variant is likely to be disruptive. In summary, the available evidence is currently insufficient to determine the role of this variant in disease. Therefore, it has been classified as a Variant of Uncertain Significance.

Ambry Genetics
Classification: Uncertain significance for Inborn genetic diseases. Last evaluated: 2024-01-04. Review status: criteria provided, single submitter. Criteria: Ambry Variant Classification Scheme 2023. Collection method: clinical testing. Allele origin: germline.

PreventionGenetics, part of Exact Sciences
Classification: Uncertain significance for AP4E1-related condition. Last evaluated: 2022-10-12. Review status: criteria provided, single submitter. Criteria: ACMG Guidelines, 2015. Collection method: clinical testing. Allele origin: germline.
Comment: The AP4E1 c.1291G>A variant is predicted to result in the amino acid substitution p.Gly431Ser. To our knowledge, this variant has not been reported in the literature. This variant is reported in 0.13% of alleles in individuals of Latino descent in gnomAD which is likely too frequent for a disease-causing variant. Although we suspect that this variant may be benign, at this time, the clinical significance of this variant is uncertain due to the absence of conclusive functional and genetic evidence.

NM_007347.5(AP4E1):c.1291G>A (p.Gly431Ser)

Gene: AP4E1 (adaptor related protein complex 4 subunit epsilon 1; plus strand). Cytogenetic location: 15q21.2.
Variant type: single nucleotide variant.
Coding change: c.1291G>A on transcript NM_007347.5 (MANE Select); coding-DNA position 1291, G replaced by A.
Protein change: p.Gly431Ser; replaces glycine 431 with serine.
Molecular consequence: missense variant.
Genome position (GRCh38, 1-based): chr15:50,948,134, G>A. VCF-style: chr15-50948134-G-A. GRCh37 (hg19) VCF-style: chr15-51240331-G-A.
Other names: c.1066G>A, p.Gly356Ser (NM_001252127.2); c.1291G>A (NM_007347.4, NM_007347.3); short protein forms G356S, G431S.
Identifiers: ClinVar variation 1390915 (VCV001390915.5), dbSNP rs147638518, ClinGen allele CA7559027.